The following is an entry in ClinVar:

NM_000138.5(FBN1):c.3836T>C (p.Val1279Ala)

Gene: FBN1 (fibrillin 1; minus strand). Cytogenetic location: 15q21.1.
Variant type: single nucleotide variant.
Coding change: c.3836T>C on transcript NM_000138.5 (MANE Select); coding-DNA position 3836, T replaced by C.
Protein change: p.Val1279Ala; replaces valine 1279 with alanine.
Molecular consequence: missense variant.
Genome position (GRCh38, 1-based): chr15:48,483,820, A>G on the plus strand (T>C on the coding strand, the complement: FBN1 is on the minus strand). VCF-style: chr15-48483820-A-G. GRCh37 (hg19) VCF-style: chr15-48776017-A-G.
Other names: c.3836T>C, p.Val1279Ala (NM_001406716.1); short protein forms V1279A.
Identifiers: ClinVar variation 4756918 (VCV004756918.1).
Genomic context (GRCh38, chr15:48,483,820, plus strand): 5'-ATTTAACAGTGCTTATGACTAACAAGACAAGATGAAAAATTCTGTCTTCTTTGCTTACCT[A>G]CACAAGTCTTCATGTCTTCAGATGCCATGAATCCATCATAACACAAGCACCTGTACTCTC-3'
Protein context (NP_000129.3, residues 1269-1289): FMASEDMKTC[Val1279Ala]DVNECDLNPN

ClinVar aggregate classification (germline): Uncertain significance (1 of 4 stars; one submission).

Conditions:
Familial thoracic aortic aneurysm and aortic dissection (TAAD). Also called: Thoracic aortic aneurysms and dissections. Identifiers: Orphanet 91387, MedGen C4707243, MONDO:0019625.

gnomAD v4.1: 2 of 1,613,644 alleles (0.00012%); highest among the groups gnomAD compares: Non-Finnish European, 0.000085%; no homozygotes.

Submission:

Color Diagnostics, LLC DBA Color Health
Classification: Uncertain significance for Familial thoracic aortic aneurysm and aortic dissection. Last evaluated: 2025-06-23. Review status: criteria provided, single submitter. Criteria: ACMG Guidelines, 2015. Collection method: clinical testing. Allele origin: germline.
Comment: This missense variant replaces valine with alanine at codon 1279 of the FBN1 protein. Computational prediction suggests that this variant may not impact protein structure and function. To our knowledge, functional studies have not been reported for this variant. This variant has not been reported in individuals affected with FBN1-related disorders in the literature. This variant has not been identified in the general population by the Genome Aggregation Database (gnomAD). The available evidence is insufficient to determine the role of this variant in disease conclusively. Therefore, this variant is classified as a Variant of Uncertain Significance.